The following is an entry in ClinVar:

NM_004562.3(PRKN):c.988G>A (p.Val330Met)

Gene: PRKN (parkin RBR E3 ubiquitin protein ligase; minus strand). Cytogenetic location: 6q26.
Variant type: single nucleotide variant.
Coding change: c.988G>A on transcript NM_004562.3 (MANE Select); coding-DNA position 988, G replaced by A.
Protein change: p.Val330Met; replaces valine 330 with methionine.
Molecular consequence: missense variant.
Genome position (GRCh38, 1-based): chr6:161,548,949, C>T on the plus strand (G>A on the coding strand, the complement: PRKN is on the minus strand). VCF-style: chr6-161548949-C-T. GRCh37 (hg19) VCF-style: chr6-161969981-C-T.
Other names: p.Val330Met; c.904G>A, p.Val302Met (NM_013987.3); c.541G>A, p.Val181Met (NM_013988.3); short protein forms V330M, V302M, V181M.
Identifiers: ClinVar variation 574344 (VCV000574344.7), dbSNP rs749768565, ClinGen allele CA4090082.
Genomic context (GRCh38, chr6:161,548,949, plus strand): 5'-CTTTCCTCTGGTCAGGCTCCGGCAGCAGCCCCGCTCCACAGCCAGGGCGGGGGCATAACA[C>T]GCCCCCCATCTGCAGGACACACTCCTCTGCACCATACTGCTGGTACCGGTTGTACTGCAA-3'
Protein context (NP_004553.2, residues 320-340): AEECVLQMGG[Val330Met]LCPRPGCGAG

ClinVar aggregate classification (germline): Uncertain significance. Review status: criteria provided, multiple submitters, no conflicts (2 of 4 stars). 2 submissions from 2 submitters: Uncertain significance (2). Last evaluated 2025-08-30.

Allele frequency attached by ClinVar (database versions not stated): TOPMed 0.00017; ExAC 0.00002; gnomAD 0.00004 and 0.00005.
gnomAD v4.1: 36 of 1,613,770 alleles (0.0022%); highest among the groups gnomAD compares: Admixed American, 0.013%; no homozygotes.

Submissions (2):

Mayo Clinic Laboratories, Mayo Clinic
Classification: Uncertain significance. Last evaluated: 2025-08-30. Review status: criteria provided, single submitter. Criteria: ACMG Guidelines, 2015. Collection method: clinical testing. Allele origin: germline. Observed: 1 variant allele.
Comment: BP4, PM2_supporting

Labcorp Genetics (formerly Invitae), Labcorp
Classification: Uncertain significance. Last evaluated: 2022-07-19. Review status: criteria provided, single submitter. Criteria: Invitae Variant Classification Sherloc (09022015). Collection method: clinical testing. Allele origin: germline.
Comment: This sequence change replaces valine, which is neutral and non-polar, with methionine, which is neutral and non-polar, at codon 330 of the PRKN protein (p.Val330Met). This variant is present in population databases (rs749768565, gnomAD 0.02%). This variant has not been reported in the literature in individuals affected with PRKN-related conditions. ClinVar contains an entry for this variant (Variation ID: 574344). Algorithms developed to predict the effect of missense changes on protein structure and function are either unavailable or do not agree on the potential impact of this missense change (SIFT: "Deleterious"; PolyPhen-2: "Probably Damaging"; Align-GVGD: "Class C0"). In summary, the available evidence is currently insufficient to determine the role of this variant in disease. Therefore, it has been classified as a Variant of Uncertain Significance.

Literature cited by the submitters: PubMed 32707456 (cited by Mayo Clinic Laboratories, Mayo Clinic); PubMed 35123805 (cited by Mayo Clinic Laboratories, Mayo Clinic).